The following is an entry in ClinVar:

ClinVar aggregate classification (germline): Uncertain significance (1 of 4 stars; one submission).

Conditions:
Renal cell carcinoma. Identifiers: Orphanet 217071, MedGen C0007134, MeSH D002292, MONDO:0005086, HP:0005584.

Submission:

Labcorp Genetics (formerly Invitae), Labcorp
Classification: Uncertain significance for Renal cell carcinoma. Last evaluated: 2020-07-25. Review status: criteria provided, single submitter. Criteria: Invitae Variant Classification Sherloc (09022015). Collection method: clinical testing. Allele origin: germline.
Comment: In summary, the available evidence is currently insufficient to determine the role of this variant in disease. Therefore, it has been classified as a Variant of Uncertain Significance. Experimental studies and prediction algorithms are not available or were not evaluated, and the functional significance of this variant is currently unknown. This variant has not been reported in the literature in individuals with MET-related conditions. This variant is not present in population databases (ExAC no frequency). This variant, c.775_777del, results in the deletion of 1 amino acid(s) of the MET protein (p.Ile259del), but otherwise preserves the integrity of the reading frame.

NM_000245.4(MET):c.775_777del (p.Ile259del)

Gene: MET (MET proto-oncogene, receptor tyrosine kinase; plus strand). Cytogenetic location: 7q31.2.
Variant type: Deletion.
Coding change: c.775_777del on transcript NM_000245.4 (MANE Select); coding-DNA positions 775 to 777, 3 bases deleted (ATT; older notation c.775_777delATT).
Protein change: p.Ile259del; deletes isoleucine 259.
Molecular consequence: inframe deletion. On other transcripts: intron variant (1).
Genome position (GRCh38, 1-based): chr7:116,699,859-116,699,861, ATT deleted; deleting any 3 consecutive bases within chr7:116,699,857-116,699,861 gives the same sequence; the c. name uses the placement nearest the transcript's 3' end. VCF-style (leftmost placement, unchanged base first): chr7-116699856-TTTA-T. GRCh37 (hg19) VCF-style: chr7-116339910-TTTA-T.
Other names: c.775_777del, p.Ile259del (NM_001127500.3, NM_001324401.3); c.-91+27282_-91+27284del (NM_001324402.2); short protein forms I259del.
Identifiers: ClinVar variation 838329 (VCV000838329.10), dbSNP rs1791501640, ClinGen allele CA916082306.